The following is an entry in ClinVar:

ClinVar aggregate classification (germline): Uncertain significance (1 of 4 stars; one submission).

Submission:

Ambry Genetics
Classification: Uncertain significance. Last evaluated: 2025-02-07. Review status: criteria provided, single submitter. Criteria: Ambry Variant Classification Scheme 2023. Collection method: clinical testing. Allele origin: germline.
Comment: The p.P1332T variant (also known as c.3994C>A), located in coding exon 14 of the CDK12 gene, results from a C to A substitution at nucleotide position 3994. The proline at codon 1332 is replaced by threonine, an amino acid with highly similar properties. This amino acid position is conserved. In addition, this alteration is predicted to be tolerated by in silico analysis. Based on the available evidence, the clinical significance of this variant remains unclear.

NM_016507.4(CDK12):c.3994C>A (p.Pro1332Thr)

Gene: CDK12 (cyclin dependent kinase 12; plus strand). Cytogenetic location: 17q12.
Variant type: single nucleotide variant.
Coding change: c.3994C>A on transcript NM_016507.4 (MANE Select); coding-DNA position 3994, C replaced by A.
Protein change: p.Pro1332Thr; replaces proline 1332 with threonine.
Molecular consequence: missense variant.
Genome position (GRCh38, 1-based): chr17:39,530,837, C>A. VCF-style: chr17-39530837-C-A. GRCh37 (hg19) VCF-style: chr17-37687090-C-A.
Other names: c.3967C>A, p.Pro1323Thr (NM_015083.4); short protein forms P1323T, P1332T.
Identifiers: ClinVar variation 3830621 (VCV003830621.1).